The following is an entry in ClinVar:

NM_025074.7(FRAS1):c.6286C>T (p.Arg2096Cys)

Gene: FRAS1 (Fraser extracellular matrix complex subunit 1; plus strand). Cytogenetic location: 4q21.21.
Variant type: single nucleotide variant.
Coding change: c.6286C>T on transcript NM_025074.7 (MANE Select); coding-DNA position 6286, C replaced by T.
Protein change: p.Arg2096Cys; replaces arginine 2096 with cysteine.
Molecular consequence: missense variant.
Genome position (GRCh38, 1-based): chr4:78,450,162, C>T. VCF-style: chr4-78450162-C-T. GRCh37 (hg19) VCF-style: chr4-79371316-C-T.
Other names: short protein forms R2096C.
Identifiers: ClinVar variation 904028 (VCV000904028.11), dbSNP rs193229946, ClinGen allele CA2977744.

ClinVar aggregate classification (germline): Conflicting classifications of pathogenicity. Review status: criteria provided, conflicting classifications (1 of 4 stars). 6 submissions from 6 submitters: Uncertain significance (5); Likely benign (1). Last evaluated 2026-06-24.

Conditions:
FRAS1-related disorder. Also called: FRAS1-related condition.
Fraser syndrome 1 (FRASRS1). Also called: CRYPTOPHTHALMOS WITH OTHER MALFORMATIONS. Identifiers: Orphanet 2052, MedGen C4551480, MONDO:0054737, OMIM 219000.

Allele frequency attached by ClinVar (database versions not stated): ESP Exome Variant Server 0.00008; gnomAD exomes 0.00008 and 0.00022; gnomAD 0.00014 and 0.00017; TOPMed 0.00019; ExAC 0.00022; 1000 Genomes Project 0.00060; 1000 Genomes Project 30x 0.00062.

Submissions (6):

PreventionGenetics, part of Exact Sciences
Classification: Uncertain significance for FRAS1-related condition. Last evaluated: 2026-06-24. Review status: criteria provided, single submitter. Criteria: ACMG Guidelines, 2015. Collection method: clinical testing. Allele origin: germline.
Comment: The FRAS1 c.6286C>T variant is predicted to result in the amino acid substitution p.Arg2096Cys. To our knowledge, this variant has not been reported in the literature. This variant is reported in 0.11% of alleles in individuals of Latino descent in gnomAD. Although we suspect that this variant may be benign, at this time, the clinical significance of this variant is uncertain due to the absence of conclusive functional and genetic evidence.

Blueprint Genetics
Classification: Uncertain significance. Last evaluated: 2024-10-15. Review status: criteria provided, single submitter. Criteria: ACMG Guidelines, 2015. Collection method: clinical testing. Allele origin: germline.

Revvity Omics, Revvity
Classification: Likely benign for Fraser syndrome 1. Last evaluated: 2023-10-11. Review status: criteria provided, single submitter. Criteria: ACMG Guidelines, 2015. Collection method: clinical testing. Allele origin: germline.

Labcorp Genetics (formerly Invitae), Labcorp
Classification: Uncertain significance. Last evaluated: 2022-08-20. Review status: criteria provided, single submitter. Criteria: Invitae Variant Classification Sherloc (09022015). Collection method: clinical testing. Allele origin: germline.
Comment: This sequence change replaces arginine, which is basic and polar, with cysteine, which is neutral and slightly polar, at codon 2096 of the FRAS1 protein (p.Arg2096Cys). This variant is present in population databases (rs193229946, gnomAD 0.1%). This variant has not been reported in the literature in individuals affected with FRAS1-related conditions. ClinVar contains an entry for this variant (Variation ID: 904028). Algorithms developed to predict the effect of missense changes on protein structure and function are either unavailable or do not agree on the potential impact of this missense change (SIFT: "Deleterious"; PolyPhen-2: "Benign"; Align-GVGD: "Class C25"). In summary, the available evidence is currently insufficient to determine the role of this variant in disease. Therefore, it has been classified as a Variant of Uncertain Significance.

Fulgent Genetics
Classification: Uncertain significance for Fraser syndrome 1. Last evaluated: 2022-01-06. Review status: criteria provided, single submitter. Criteria: ACMG Guidelines, 2015. Collection method: clinical testing. Allele origin: unknown.

Illumina Laboratory Services, Illumina
Classification: Uncertain significance for Fraser syndrome 1. Last evaluated: 2018-01-13. Review status: criteria provided, single submitter. Criteria: ICSL Variant Classification Criteria 13 December 2019. Collection method: clinical testing. Allele origin: germline.